The following is an entry in ClinVar:

ClinVar aggregate classification (germline): Benign (0 of 4 stars; one submission).

Conditions:
NDUFV3-related disorder. Also called: NDUFV3-related condition.

Allele frequency attached by ClinVar (database versions not stated): ESP Exome Variant Server 0.05759; gnomAD 0.06526; TOPMed 0.06815; gnomAD exomes 0.07369; ExAC 0.08446; 1000 Genomes Project 30x 0.09385; 1000 Genomes Project 0.09884.

Submission:

PreventionGenetics, part of Exact Sciences
Classification: Benign for NDUFV3-related condition. Last evaluated: 2019-08-02. Review status: no assertion criteria provided. Collection method: clinical testing. Allele origin: germline.
Comment: This variant is classified as benign based on ACMG/AMP sequence variant interpretation guidelines (Richards et al. 2015 PMID: 25741868, with internal and published modifications).

NM_021075.4(NDUFV3):c.339G>A (p.Pro113=)

Gene: NDUFV3 (NADH:ubiquinone oxidoreductase subunit V3; plus strand). Cytogenetic location: 21q22.3.
Variant type: single nucleotide variant.
Coding change: c.339G>A on transcript NM_021075.4 (MANE Select); coding-DNA position 339, G replaced by A.
Protein change: p.Pro113=; no amino-acid change (proline 113 retained).
Molecular consequence: synonymous variant. On other transcripts: intron variant (1).
Genome position (GRCh38, 1-based): chr21:42,903,351, G>A. VCF-style: chr21-42903351-G-A. GRCh37 (hg19) VCF-style: chr21-44323461-G-A.
Other names: c.170-5513G>A (NM_001001503.2).
Identifiers: ClinVar variation 3056561 (VCV003056561.2), dbSNP rs4148972, ClinGen allele CA10046468.